The following is an entry in ClinVar:

NM_001130987.2(DYSF):c.460+82C>T

Gene: DYSF (dysferlin; plus strand). Cytogenetic location: 2p13.2.
Variant type: single nucleotide variant.
Coding change: c.460+82C>T on transcript NM_001130987.2 (MANE Select); 82 bases into the intron after coding-DNA position 460, C replaced by T.
Molecular consequence: intron variant.
Genome position (GRCh38, 1-based): chr2:71,512,003, C>T. VCF-style: chr2-71512003-C-T. GRCh37 (hg19) VCF-style: chr2-71739133-C-T.
Other names: NC_000002.11:g.71739133C>T; c.457+82C>T (NM_001130979.2, NM_001130981.2, NM_001130980.2 and 4 more transcripts); c.460+82C>T (NM_001130982.2, NM_001130985.2, NM_001130983.2 and 3 more transcripts).
Identifiers: ClinVar variation 677483 (VCV000677483.6), dbSNP rs79084610, ClinGen allele CA11118010.
Genomic context (GRCh38, chr2:71,512,003, plus strand): 5'-GGCTGGGCCCCAGCAAGAAGGCCGGCAGTGGCACTTGAGCCTGGGGGCTGGGAGCTGCAG[C>T]GAGGCTTCCCAGCCTTTGCTGCCCTCCCCAGGTTGGAGGCTGCCCAGGCCTGGAAAGAAG-3'

ClinVar aggregate classification (germline): Benign/Likely benign. Review status: criteria provided, multiple submitters, no conflicts (2 of 4 stars). 3 submissions from 3 submitters: Benign (1); Likely benign (2). Last evaluated 2021-06-10.

Conditions:
Miyoshi muscular dystrophy 1 (MMD1). Identifiers: Orphanet 45448, MedGen C4551973, MONDO:0024545, OMIM 254130.

Allele frequency attached by ClinVar (database versions not stated): 1000 Genomes Project 0.02157; 1000 Genomes Project 30x 0.02233; gnomAD 0.03125; TOPMed 0.03598.
gnomAD v4.1: 38,748 of 923,876 alleles (4.2%); highest among the groups gnomAD compares: Middle Eastern, 5.1%; 1,049 homozygotes.

Submissions (7):

Genome-Nilou Lab
Classification: Benign for Miyoshi muscular dystrophy 1. Last evaluated: 2021-06-10. Review status: criteria provided, single submitter. Criteria: ACMG Guidelines, 2015. Collection method: clinical testing. Allele origin: germline. Affected: no.

GeneDx
Classification: Likely benign. Last evaluated: 2018-06-14. Review status: criteria provided, single submitter. Criteria: GeneDx Variant Classification (06012015). Collection method: clinical testing. Allele origin: germline. Affected: yes.
Comment: This variant is considered likely benign or benign based on one or more of the following criteria: it is a conservative change, it occurs at a poorly conserved position in the protein, it is predicted to be benign by multiple in silico algorithms, and/or has population frequency not consistent with disease.

Breakthrough Genomics
Classification: Likely benign. Review status: criteria provided, single submitter. Criteria: ACMG Guidelines, 2015. Collection method: not provided. Allele origin: germline. Inheritance: Autosomal recessive inheritance. Affected: yes.

Dr. Peter K. Rogan Lab, Western University
No classification provided (evidence only). Condition: Acute myeloid leukemia. Review status: no classification provided. Collection method: in vitro. Allele origin: not applicable. Functional consequence: retained intron. Not counted in ClinVar's aggregate classification.

Dr. Peter K. Rogan Lab, Western University
No classification provided (evidence only). Condition: Cervical cancer. Review status: no classification provided. Collection method: in vitro. Allele origin: not applicable. Functional consequence: retained intron. Not counted in ClinVar's aggregate classification.

Dr. Peter K. Rogan Lab, Western University
No classification provided (evidence only). Condition: Malignant tumor of esophagus. Review status: no classification provided. Collection method: in vitro. Allele origin: not applicable. Functional consequence: retained intron. Not counted in ClinVar's aggregate classification.

Dr. Peter K. Rogan Lab, Western University
No classification provided (evidence only). Condition: Malignant tumor of esophagus. Review status: no classification provided. Collection method: in vitro. Allele origin: not applicable. Functional consequence: retained intron. Not counted in ClinVar's aggregate classification.